The following is an entry in ClinVar:

ClinVar aggregate classification (germline): Uncertain significance (1 of 4 stars; one submission).

gnomAD v4.1: 4 of 1,614,238 alleles (0.00025%); highest among the groups gnomAD compares: African/African-American, 0.0013%; no homozygotes.

Submission:

Greenwood Genetic Center Diagnostic Laboratories, Greenwood Genetic Center
Classification: Uncertain significance. Last evaluated: 2022-03-23. Review status: criteria provided, single submitter. Criteria: ACMG Guidelines, 2015. Collection method: clinical testing. Allele origin: germline. Affected: yes.
Comment: PM2 PP2

NM_021224.6(ZNF462):c.890C>G (p.Thr297Ser)

Gene: ZNF462 (zinc finger protein 462; plus strand). Cytogenetic location: 9q31.2.
Variant type: single nucleotide variant.
Coding change: c.890C>G on transcript NM_021224.6 (MANE Select); coding-DNA position 890, C replaced by G.
Protein change: p.Thr297Ser; replaces threonine 297 with serine.
Molecular consequence: missense variant.
Genome position (GRCh38, 1-based): chr9:106,924,802, C>G. VCF-style: chr9-106924802-C-G. GRCh37 (hg19) VCF-style: chr9-109687083-C-G.
Other names: c.890C>G, p.Thr297Ser (NM_001347997.2); short protein forms T297S.
Identifiers: ClinVar variation 1676502 (VCV001676502.3), dbSNP rs1830123953, ClinGen allele CA374383372.
Genomic context (GRCh38, chr9:106,924,802, plus strand): 5'-GACAGCAACAAGAAGGAACTAATCTACCTGATGTGCCGAACAAGAGTGCCCCCAGCCCCA[C>G]TTCCAACTCCACCTATCTGACCATGAATGCTGCAAGCCGGGAGATACCCAATACTACCGT-3'
Protein context (NP_067047.4, residues 287-307): DVPNKSAPSP[Thr297Ser]SNSTYLTMNA